The following is an entry in ClinVar:

NM_001283009.2(RTEL1):c.3672_3673del (p.Ile1225fs)

Genes: RTEL1 (regulator of telomere elongation helicase 1; plus strand), RTEL1-TNFRSF6B (RTEL1-TNFRSF6B readthrough (NMD candidate); plus strand). Cytogenetic location: 20q13.33.
Variant type: Deletion.
Coding change: c.3672_3673del on transcript NM_001283009.2 (MANE Select); coding-DNA positions 3672 to 3673, 2 bases deleted (CA; older notation c.3672_3673delCA).
Protein change: p.Ile1225fs; shifts the reading frame from isoleucine 1225.
Molecular consequence: frameshift variant. On other transcripts: non-coding transcript variant (1), intron variant (3).
Genome position (GRCh38, 1-based): chr20:63,695,500-63,695,501, CA deleted; deleting any 2 consecutive bases within chr20:63,695,499-63,695,501 gives the same sequence; the c. name uses the placement nearest the transcript's 3' end. VCF-style (leftmost placement, unchanged base first): chr20-63695498-GAC-G. GRCh37 (hg19) VCF-style: chr20-62326851-GAC-G.
Other names: c.2983+20_2983+21del (NM_001283010.1); c.3724+20_3724+21del (NM_032957.5); c.3652+20_3652+21del (NM_016434.4); short protein forms I1225fs.
Identifiers: ClinVar variation 1451594 (VCV001451594.6), dbSNP rs2145480213, ClinGen allele CA2573157234.

ClinVar aggregate classification (germline): Pathogenic (1 of 4 stars; one submission).

Conditions:
Pulmonary fibrosis and/or bone marrow failure, Telomere-related, 3. Also called: PULMONARY FIBROSIS AND/OR BONE MARROW FAILURE SYNDROME, TELOMERE-RELATED, 3. Identifiers: Orphanet 2032, MedGen C4225346, MONDO:0014613, OMIM 616373.
Dyskeratosis congenita, autosomal recessive 5 (DKCB5). Identifiers: MedGen C3554656, MONDO:0014076, OMIM 615190.

Submission:

Labcorp Genetics (formerly Invitae), Labcorp
Classification: Pathogenic for Dyskeratosis congenita, autosomal recessive 5; Pulmonary fibrosis and/or bone marrow failure, Telomere-related, 3. Last evaluated: 2021-08-01. Review status: criteria provided, single submitter. Criteria: Invitae Variant Classification Sherloc (09022015). Collection method: clinical testing. Allele origin: germline.
Comment: This sequence change creates a premature translational stop signal (p.Ile1225Argfs*36) in the RTEL1 gene. While this is not anticipated to result in nonsense mediated decay, it is expected to disrupt the last 76 amino acid(s) of the RTEL1 protein. This variant is not present in population databases (ExAC no frequency). This variant has not been reported in the literature in individuals affected with RTEL1-related conditions. This variant disrupts a region of the RTEL1 protein in which other variant(s) (p.Arg1264His) have been determined to be pathogenic (PMID: 23453664, 24009516, 25047097, 25099625, 25620558, 26025130). This suggests that this is a clinically significant region of the protein, and that variants that disrupt it are likely to be disease-causing. For these reasons, this variant has been classified as Pathogenic.

Literature cited by the submitters: PubMed 23453664; PubMed 24009516; PubMed 25047097; PubMed 25099625; PubMed 25620558; PubMed 26025130.